The following is an entry in ClinVar:

NM_000077.5(CDKN2A):c.316G>C (p.Val106Leu)

Gene: CDKN2A (cyclin dependent kinase inhibitor 2A; minus strand). Cytogenetic location: 9p21.3.
Variant type: single nucleotide variant.
Coding change: c.316G>C on transcript NM_000077.5; coding-DNA position 316, G replaced by C.
Protein change: p.Val106Leu; replaces valine 106 with leucine.
Molecular consequence: missense variant (on NM_000077.6). On other transcripts: 3 prime UTR variant (1).
Genome position (GRCh38, 1-based): chr9:21,971,043, C>G on the plus strand (G>C on the coding strand, the complement: CDKN2A is on the minus strand). VCF-style: chr9-21971043-C-G. GRCh37 (hg19) VCF-style: chr9-21971042-C-G.
Other names: c.316G>C, p.Val106Leu (NM_000077.6, NM_001195132.2); c.163G>C, p.Val55Leu (NM_001363763.2); c.359G>C, p.Arg120Pro (NM_058195.4); c.*239G>C (NM_058197.5); short protein forms R120P, V106L, V55L.
Identifiers: ClinVar variation 1318653 (VCV001318653.4), dbSNP rs775860099, ClinGen allele CA373086075.

ClinVar aggregate classification (germline): Uncertain significance. Review status: criteria provided, multiple submitters, no conflicts (2 of 4 stars). 2 submissions from 2 submitters: Uncertain significance (2). Last evaluated 2022-03-31.

Conditions:
Hereditary cancer-predisposing syndrome. Also called: Hereditary Cancer Syndrome; Neoplastic Syndromes, Hereditary; Tumor predisposition; Hereditary neoplastic syndrome. Identifiers: Orphanet 140162, MedGen C0027672, MeSH D009386, MONDO:0015356.

gnomAD v4.1: 1 of 1,605,576 alleles (0.000062%); highest among the groups gnomAD compares: Non-Finnish European, 0.000085%; no homozygotes.

Submissions (2):

Ambry Genetics
Classification: Uncertain significance for Hereditary cancer-predisposing syndrome. Last evaluated: 2022-03-31. Review status: criteria provided, single submitter. Criteria: Ambry Variant Classification Scheme 2023. Collection method: clinical testing. Allele origin: germline.
Comment: The p.V106L variant (also known as c.316G>C), located in coding exon 2 of the CDKN2A gene, results from a G to C substitution at nucleotide position 316. The valine at codon 106 is replaced by leucine, an amino acid with highly similar properties. This amino acid position is not well conserved in available vertebrate species. In addition, the in silico prediction for this alteration is inconclusive. Since supporting evidence is limited at this time, the clinical significance of this alteration remains unclear.

GeneDx
Classification: Uncertain significance. Last evaluated: 2019-05-08. Review status: criteria provided, single submitter. Criteria: GeneDx Variant Classification Process June 2021. Collection method: clinical testing. Allele origin: germline. Affected: yes.
Comment: Not observed in large population cohorts (Lek et al., 2016); In silico analysis, which includes protein predictors and evolutionary conservation, supports that this variant does not alter protein structure/function; Has not been previously published as pathogenic or benign to our knowledge